The following is an entry in ClinVar:

ClinVar aggregate classification (germline): Uncertain significance (1 of 4 stars; one submission).

Conditions:
Muscular dystrophy-dystroglycanopathy (congenital with brain and eye anomalies), type A2. Also called: MUSCULAR DYSTROPHY-DYSTROGLYCANOPATHY (CONGENITAL WITH BRAIN AND EYE ANOMALIES), TYPE A, 2; WALKER-WARBURG SYNDROME OR MUSCLE-EYE-BRAIN DISEASE, POMT2-RELATED. Identifiers: Orphanet 588, Orphanet 899, MedGen C3150411, MONDO:0013154, OMIM 613150.
Muscular dystrophy-dystroglycanopathy (congenital with impaired intellectual development), type B, 2. Also called: Muscular dystrophy-dystroglycanopathy (congenital with intellectual disability), type B2; MUSCULAR DYSTROPHY, CONGENITAL, POMT2-RELATED. Identifiers: MedGen C3150416, MONDO:0013160, OMIM 613156.
Autosomal recessive limb-girdle muscular dystrophy type 2N. Also called: Muscular dystrophy-dystroglycanopathy (limb-girdle), type C, 2; MUSCULAR DYSTROPHY-DYSTROGLYCANOPATHY, LIMB-GIRDLE, POMT2-RELATED. Identifiers: Orphanet 206559, MedGen C3150418, MONDO:0013162, OMIM 613158.

Submission:

Labcorp Genetics (formerly Invitae), Labcorp
Classification: Uncertain significance for Muscular dystrophy-dystroglycanopathy (congenital with impaired intellectual development), type B, 2; Muscular dystrophy-dystroglycanopathy (congenital with brain and eye anomalies), type A2; Autosomal recessive limb-girdle muscular dystrophy type 2N. Last evaluated: 2024-05-02. Review status: criteria provided, single submitter. Criteria: Invitae Variant Classification Sherloc (09022015). Collection method: clinical testing. Allele origin: germline.
Comment: This sequence change replaces asparagine, which is neutral and polar, with threonine, which is neutral and polar, at codon 347 of the POMT2 protein (p.Asn347Thr). This variant is not present in population databases (gnomAD no frequency). This missense change has been observed in individual(s) with congenital muscular dystrophy (Invitae). In at least one individual the data is consistent with being in trans (on the opposite chromosome) from a pathogenic variant. ClinVar contains an entry for this variant (Variation ID: 948468). Advanced modeling of protein sequence and biophysical properties (such as structural, functional, and spatial information, amino acid conservation, physicochemical variation, residue mobility, and thermodynamic stability) has been performed at Invitae for this missense variant, however the output from this modeling did not meet the statistical confidence thresholds required to predict the impact of this variant on POMT2 protein function. In summary, the available evidence is currently insufficient to determine the role of this variant in disease. Therefore, it has been classified as a Variant of Uncertain Significance.

NM_013382.7(POMT2):c.1040A>C (p.Asn347Thr)

Gene: POMT2 (protein O-mannosyltransferase 2; minus strand). Cytogenetic location: 14q24.3.
Variant type: single nucleotide variant.
Coding change: c.1040A>C on transcript NM_013382.7 (MANE Select); coding-DNA position 1040, A replaced by C.
Protein change: p.Asn347Thr; replaces asparagine 347 with threonine.
Molecular consequence: missense variant.
Genome position (GRCh38, 1-based): chr14:77,296,240, T>G on the plus strand (A>C on the coding strand, the complement: POMT2 is on the minus strand). VCF-style: chr14-77296240-T-G. GRCh37 (hg19) VCF-style: chr14-77762583-T-G.
Other names: short protein forms N347T.
Identifiers: ClinVar variation 948468 (VCV000948468.10), dbSNP rs371158744, ClinGen allele CA390519578.
Genomic context (GRCh38, chr14:77,296,240, plus strand): 5'-CCAATGCCCTCGGGGTAGAGGTGCCTGTGGGAGTGCAGATAGCCGATGGCCATCCGGAGG[T>G]TCTTCACAGTGATCACAGAGCCGTAGGCCAGGTCTGGGAGGAAGGGAGACAGCAGAGGGG-3'
Protein context (NP_037514.2, residues 337-357): LAYGSVITVK[Asn347Thr]LRMAIGYLHS